The following is an entry in ClinVar:

NM_022458.4(LMBR1):c.423+4914A>C

Genes: LMBR1 (limb development membrane protein 1; minus strand), ZRS (ZPA regulatory sequence; plus strand). Cytogenetic location: 7q36.3.
Variant type: single nucleotide variant.
Coding change: c.423+4914A>C on transcript NM_022458.4 (MANE Select); 4914 bases into the intron after coding-DNA position 423, A replaced by C.
Molecular consequence: intron variant.
Genome position (GRCh38, 1-based): chr7:156,791,475, T>G on the plus strand (A>C on the coding strand, the complement: LMBR1 is on the minus strand). VCF-style: chr7-156791475-T-G. GRCh37 (hg19) VCF-style: chr7-156584169-T-G.
Other names: c.360+4914A>C (NM_001363412.2); c.144+4914A>C (NM_001350954.2); c.423+4914A>C (NM_001363410.2, NM_001363409.2, NM_001350953.2); c.-112+4914A>C (NM_001350958.2, NM_001350956.2, NM_001350955.2 and 1 more transcripts); c.54+4914A>C (NM_001350957.2, NM_001363411.2).
Identifiers: ClinVar variation 5007192 (VCV005007192.2).

ClinVar aggregate classification (germline): Uncertain significance (1 of 4 stars; one submission).

Conditions:
Tibia, hypoplasia or aplasia of, with polydactyly (THYP). Also called: TIBIAL HEMIMELIA-POLYDACTYLY-TRIPHALANGEAL THUMBS WITH FIBULAR DIMELIA; Mesomelic Dysplasia, Werner Type; Werner mesomelic syndrome; Polydactyly with absent tibia. Identifiers: Orphanet 3332, Orphanet 988, MedGen C1861098, MONDO:0008572, OMIM 188740.
Syndactyly type 4. Also called: HAAS TYPE SYNDACTYLY; Polysyndactyly type Haas; Syndactyly, type IV. Identifiers: Orphanet 93405, MedGen C1861355, MONDO:0008515, OMIM 186200.
Polydactyly of a triphalangeal thumb. Also called: POLYDACTYLY OF TRIPHALANGEAL THUMB; Polydactyly, preaxial type II; TRIPHALANGEAL THUMB-POLYDACTYLY SYNDROME. Identifiers: Orphanet 2439, Orphanet 2950, Orphanet 93336, MedGen C1868114, MONDO:0008270, OMIM 174500.
Laurin-Sandrow syndrome (LSS). Also called: MIRROR HANDS AND FEET WITH NASAL DEFECTS; SANDROW SYNDROME; TETRAMELIC MIRROR-IMAGE POLYDACTYLY; FIBULA AND ULNA, DUPLICATION OF, WITH ABSENCE OF TIBIA AND RADIUS. Identifiers: Orphanet 2378, MedGen C1851100, MONDO:0007615, OMIM 135750.
Acheiropodia (ACHP). Also called: ACHEIROPODY, BRAZILIAN TYPE; Acheiropody. Identifiers: Orphanet 931, MedGen C0265559, MONDO:0008700, OMIM 200500.

Submission:

Juno Genomics, Hangzhou Juno Genomics, Inc
Classification: Uncertain significance for Acheiropodia; Tibia, hypoplasia or aplasia of, with polydactyly; Laurin-Sandrow syndrome; Polydactyly of a triphalangeal thumb; Syndactyly type 4. Review status: criteria provided, single submitter. Criteria: ACMG Guidelines, 2015. Collection method: clinical testing. Allele origin: germline.
Comment: Absent from controls (or at extremely low frequency if recessive) in Genome Aggregation Database.;Patient's phenotype or family history is highly specific for a disease with a single genetic etiology.